The following is an entry in ClinVar:

ClinVar aggregate classification (germline): Uncertain significance (1 of 4 stars; one submission).

Submission:

Dasa
Classification: Uncertain significance. Last evaluated: 2026-01-22. Review status: criteria provided, single submitter. Criteria: DASA Assertion Criteria. Collection method: clinical testing. Allele origin: germline.
Comment: NM_007194.4(CHEK2):c.-7+7C>A is a splice-region variant. This variant is absent from population databases. Computational prediction algorithms are consistent with a benign effect. The currently available literature and clinical evidence are not sufficient to establish a definitive association between this variant and the reported condition. Therefore, this variant is classified as a variant of uncertain significance.

NM_007194.4(CHEK2):c.-7+7C>A

Genes: CHEK2 (checkpoint kinase 2; minus strand), LOC130067165 (ATAC-STARR-seq lymphoblastoid active region 18804; plus strand). Cytogenetic location: 22q12.1.
Variant type: single nucleotide variant.
Coding change: c.-7+7C>A on transcript NM_007194.4 (MANE Select); 7 bases into the intron after 7 bases upstream of the start codon, C replaced by A.
Molecular consequence: intron variant.
Genome position (GRCh38, 1-based): chr22:28,741,762, G>T on the plus strand (C>A on the coding strand, the complement: CHEK2 is on the minus strand). VCF-style: chr22-28741762-G-T. GRCh37 (hg19) VCF-style: chr22-29137750-G-T.
Other names: c.-345+7C>A (NM_001437942.1); c.-7+7C>A (NM_001349956.3, NM_145862.3, NM_001438295.1 and 3 more transcripts); c.-784+7C>A (NM_001257387.3).
Identifiers: ClinVar variation 4883773 (VCV004883773.2).
Genomic context (GRCh38, chr22:28,741,762, plus strand): 5'-CGCACAAAACGCTTAAGATGGGATTCGAACCACCAAACACCCAACAGAAGTTCCCCATAT[G>T]ACTCACCGCGTGAGCCCACCTGGAGCCGCACACTCTCCGCAGCCTCAGCCAGCAGAGTGG-3'